The following is an entry in ClinVar:

ClinVar aggregate classification (germline): Uncertain significance (1 of 4 stars; one submission).

Conditions:
Hereditary cancer-predisposing syndrome. Also called: Neoplastic Syndromes, Hereditary; Tumor predisposition; Hereditary Cancer Syndrome; Hereditary neoplastic syndrome. Identifiers: Orphanet 140162, MedGen C0027672, MeSH D009386, MONDO:0015356.

Submission:

Color Diagnostics, LLC DBA Color Health
Classification: Uncertain significance for Hereditary cancer-predisposing syndrome. Last evaluated: 2023-12-05. Review status: criteria provided, single submitter. Criteria: ACMG Guidelines, 2015. Collection method: clinical testing. Allele origin: germline.
Comment: This missense variant replaces proline with phenylalanine at codon 358 of the PALB2 protein. To our knowledge, functional studies have not been reported for this variant. This variant has not been reported in individuals affected with PALB2-related disorders in the literature. This variant has not been identified in the general population by the Genome Aggregation Database (gnomAD). The available evidence is insufficient to determine the role of this variant in disease conclusively. Therefore, this variant is classified as a Variant of Uncertain Significance.

NM_024675.4(PALB2):c.1072_1073delinsTT (p.Pro358Phe)

Gene: PALB2 (partner and localizer of BRCA2; minus strand). Cytogenetic location: 16p12.2.
Variant type: Indel.
Coding change: c.1072_1073delinsTT on transcript NM_024675.4 (MANE Select); coding-DNA positions 1072 to 1073, CC replaced by TT.
Protein change: p.Pro358Phe; replaces proline 358 with phenylalanine.
Molecular consequence: missense variant.
Genome position (GRCh38, 1-based): chr16:23,635,473-23,635,474, GG replaced by AA on the plus strand (CC replaced by TT on the coding strand, the reverse complement: PALB2 is on the minus strand). VCF-style: chr16-23635473-GG-AA. GRCh37 (hg19) VCF-style: chr16-23646794-GG-AA.
Other names: short protein forms P358F.
Identifiers: ClinVar variation 920879 (VCV000920879.4), dbSNP rs1966996117, ClinGen allele CA1139664622.